The following is an entry in ClinVar:

ClinVar aggregate classification (germline): Conflicting classifications of pathogenicity. Review status: criteria provided, conflicting classifications (1 of 4 stars). 12 submissions from 12 submitters: Uncertain significance (9); Likely benign (2). 1 of the submissions does not count toward it. Last evaluated 2026-03-18.

Conditions:
Hereditary nonpolyposis colorectal neoplasms. Identifiers: MedGen C0009405, MeSH D003123.
MSH6-related disorder. Also called: MSH6-related condition; MSH6-Related disorders.
Hereditary cancer-predisposing syndrome. Also called: Hereditary neoplastic syndrome; Neoplastic Syndromes, Hereditary; Hereditary Cancer Syndrome; Tumor predisposition. Identifiers: Orphanet 140162, MedGen C0027672, MeSH D009386, MONDO:0015356.
Lynch syndrome. Identifiers: Orphanet 144, MedGen C4552100, MONDO:0005835. Disease mechanism: loss of function.
Lynch syndrome 5 (LYNCH5). Also called: Hereditary non-polyposis colorectal cancer, type 5; Colorectal cancer, hereditary nonpolyposis, type 5. Identifiers: Orphanet 144, MedGen C1833477, MONDO:0013710, OMIM 614350. Disease mechanism: loss of function.
Endometrial carcinoma. Also called: Endometrial carcinoma, somatic. Identifiers: MedGen C0476089, MONDO:0002447, OMIM 608089, HP:0012114.

Allele frequency attached by ClinVar (database versions not stated): gnomAD exomes below 0.00001; ExAC 0.00001; TOPMed 0.00001.

Submissions (12):

Ambry Genetics
Classification: Uncertain significance for Hereditary cancer-predisposing syndrome. Last evaluated: 2026-03-18. Review status: criteria provided, single submitter. Criteria: Ambry Variant Classification Scheme 2023. Collection method: clinical testing. Allele origin: germline.
Comment: The p.M1074V variant (also known as c.3220A>G), located in coding exon 5 of the MSH6 gene, results from an A to G substitution at nucleotide position 3220. The methionine at codon 1074 is replaced by valine, an amino acid with highly similar properties. This alteration has been identified in one individual with colorectal cancer demonstrating decreased MSH6 staining via immunohistochemistry; however, detailed personal and family history was not provided (Okkels H et al. Appl Immunohistochem Mol Morphol, 2012 Oct;20:470-7). This alteration has also been reported in 1/60466 breast cancer cases and in 1/53461 controls (Dorling et al. N Engl J Med. 2021 02;384:428-439). This amino acid position is well conserved in available vertebrate species. In addition, this alteration is predicted to be tolerated by in silico analysis. Since supporting evidence is limited at this time, the clinical significance of this alteration remains unclear.

Myriad Genetics, Inc.
Classification: Likely benign for Lynch syndrome 5. Last evaluated: 2026-03-11. Review status: criteria provided, single submitter. Criteria: Myriad Autosomal Dominant, Autosomal Recessive and X-Linked Classification Criteria (2023). Collection method: clinical testing. Allele origin: unknown.
Comment: This variant is considered likely benign. Homozygosity for this variant has been confirmed in one or more individuals lacking clinical features consistent with gene-specific recessive disease, indicating that this variant is unlikely to be pathogenic.

Women's Health and Genetics/Laboratory Corporation of America, LabCorp
Classification: Uncertain significance. Last evaluated: 2026-01-09. Review status: criteria provided, single submitter. Criteria: LabCorp Variant Classification Summary - May 2015. Collection method: clinical testing. Allele origin: germline.
Comment: Variant summary: MSH6 c.3220A>G (p.Met1074Val) results in a conservative amino acid change in the encoded protein sequence. Algorithms developed to predict the effect of missense changes on protein structure and function are either unavailable or do not agree on the potential impact of this missense change. The variant allele was found at a frequency of 4e-06 in 251360 control chromosomes. The available data on variant occurrences in the general population are insufficient to allow any conclusion about variant significance. c.3220A>G has been reported in the literature in at least one individual with a colon adenocarcinoma and suspected HNPCC, however, this report does not provide unequivocal conclusions about association of the variant with Hereditary Nonpolyposis Colorectal Cancer (Okkels_2012). One publication reports experimental evidence evaluating an impact on protein function, demonstrating that the sample associated with this variant had reduced MSH6 expression via immunohistrochemistry (Okkels_2012). However, this does not allow convincing conclusions about the variant effect in isolation. The following publication has been ascertained in the context of this evaluation (PMID: 22495361). ClinVar contains an entry for this variant (Variation ID: 182645). Based on the evidence outlined above, the variant was classified as uncertain significance.

Department of Clinical Genetics, Copenhagen University Hospital, Rigshospitalet
Classification: Uncertain significance for Lynch syndrome. Last evaluated: 2025-12-10. Review status: criteria provided, single submitter. Criteria: ACMG Guidelines, 2015. Collection method: clinical testing. Allele origin: germline.
Comment: The following ACMG criteria has been used: PM2_SUP (reported <1 in 50,000 alleles in gnomAD v.4.1); BP4 (MAPP/PP2 combined score : 0.03). Immunohistochemistry (IHC) analysis of CRC tumour from carrier showed reduced expression of MSH6 (PMID:22495361)

Color Diagnostics, LLC DBA Color Health
Classification: Uncertain significance for Hereditary cancer-predisposing syndrome. Last evaluated: 2025-11-06. Review status: criteria provided, single submitter. Criteria: ACMG Guidelines, 2015. Collection method: clinical testing. Allele origin: germline.
Comment: This missense variant replaces methionine with valine at codon 1074 of the MSH6 protein. Computational prediction suggests that this variant may not impact protein structure and function. To our knowledge, functional studies have not been reported for this variant. This variant has been reported in an individual suspected being affected with Lynch syndrome (PMID: 22495361). This variant has been identified in 11/1614060 chromosomes in the general population by the Genome Aggregation Database (gnomAD). The available evidence is insufficient to determine the role of this variant in disease conclusively. Therefore, this variant is classified as a Variant of Uncertain Significance.

Labcorp Genetics (formerly Invitae), Labcorp
Classification: Likely benign for Hereditary nonpolyposis colorectal neoplasms. Last evaluated: 2025-07-30. Review status: criteria provided, single submitter. Criteria: Invitae Variant Classification Sherloc (09022015). Collection method: clinical testing. Allele origin: germline.

Center for Genomic Medicine, Rigshospitalet, Copenhagen University Hospital
Classification: Uncertain significance. Last evaluated: 2025-03-04. Review status: criteria provided, single submitter. Criteria: ACMG Guidelines, 2015. Collection method: clinical testing. Allele origin: germline.
Comment: Classification criteria: BP4, PM2_supporting

Baylor Genetics
Classification: Uncertain significance for Endometrial carcinoma. Last evaluated: 2024-01-16. Review status: criteria provided, single submitter. Criteria: ACMG Guidelines, 2015. Collection method: clinical testing. Allele origin: unknown.

All of Us Research Program, National Institutes of Health
Classification: Uncertain significance for Lynch syndrome. Last evaluated: 2023-09-17. Review status: criteria provided, single submitter. Criteria: ACMG Guidelines, 2015. Collection method: clinical testing. Allele origin: germline. Inheritance: Autosomal dominant inheritance. Observed: 2 variant alleles, 2 heterozygotes.
Comment: This missense variant replaces methionine with valine at codon 1074 of the MSH6 protein. Computational prediction suggests that this variant may not impact protein structure and function (internally defined REVEL score threshold <= 0.5, PMID: 27666373). To our knowledge, functional studies have not been reported for this variant. This variant has been reported in an individual suspected being affected with Lynch syndrome (PMID: 22495361). This variant has been identified in 1/251360 chromosomes in the general population by the Genome Aggregation Database (gnomAD). The available evidence is insufficient to determine the role of this variant in disease conclusively. Therefore, this variant is classified as a Variant of Uncertain Significance.

This study involves interpretation of variants in research participants for the purpose of population health screening. Participant phenotype was not available at the time of variant classification. Additional details can be found in publication PMID: 35346344, PMCID: PMC8962531

Sema4
Classification: Uncertain significance for Hereditary cancer-predisposing syndrome. Last evaluated: 2021-06-14. Review status: criteria provided, single submitter. Criteria: Sema4 Curation Guidelines. Collection method: curation. Allele origin: germline.
Comment: The MSH6 c.3220A>G (p.M1074V) variant has been reported in at least one individual with suspected Lynch syndrome (PMID: 22495361). The tumor of this individual showed decreased MSH6 expression (PMID: 22495361). This variant has also been reported in 1/60466 breast cancer cases and 1/53461 healthy controls by a large case-control study (PMID: 33471991). It was observed in 1/113682 chromosomes of the Non-Finnish European subpopulation in the large and broad cohorts of the Genome Aggregation Database (PMID: 32461654). The variant has been reported in ClinVar (Variation ID 182645). Functional studies have not been performed, and in silico predictions of the variant's effect on protein function are inconclusive. The evidence is insufficient to meet ACMG/AMP criteria for classifying the variant as benign or pathogenic. Thus, the clinical significance of this variant is currently uncertain.

GeneDx
Classification: Uncertain significance. Last evaluated: 2018-08-14. Review status: criteria provided, single submitter. Criteria: GeneDx Variant Classification (06012015). Collection method: clinical testing. Allele origin: germline. Affected: yes.
Comment: This variant is denoted MSH6 c.3220A>G at the cDNA level, p.Met1074Val (M1074V) at the protein level, and results in the change of a Methionine to a Valine (ATG>GTG). This variant has been observed in an individual with suspected Hereditary Nonpolyposis Colorectal Cancer whose tumor demonstrated decreased, but not absent, MSH6 expression on immunohistochemistry (Okkels 2012). MSH6 Met1074Val was not observed at a significant allele frequency in large population cohorts (Lek 2016). This variant is located in the lever domain (Warren 2007, Kansikas 2011). In silico analysis, which includes protein predictors and evolutionary conservation, supports that this variant does not alter protein structure/function. Based on currently available evidence, it is unclear whether MSH6 Met1074Val is a pathogenic or benign variant. We consider it to be a variant of uncertain significance.

PreventionGenetics, part of Exact Sciences
Classification: Uncertain significance for MSH6-related condition. Last evaluated: 2024-08-14. Review status: no assertion criteria provided. Collection method: clinical testing. Allele origin: germline. Not counted in ClinVar's aggregate classification.
Comment: The MSH6 c.3220A>G variant is predicted to result in the amino acid substitution p.Met1074Val. This germline variant was reported in a hereditary nonpolyposis colorectal cancer cohort study (Okkels et al. 2012. PubMed ID: 22495361). This variant was also reported in one case and one healthy control in a large breast cancer cohort study (Dorling et al. 2021. PubMed ID: 33471991). This variant is reported in 0.00088% of alleles in individuals of European (Non-Finnish) descent in gnomAD and is interpreted as a variant of uncertain significance by the vast majority of submitters in ClinVar. At this time, the clinical significance of this variant is uncertain due to the absence of conclusive functional and genetic evidence.

Literature cited by the submitters: PubMed 22495361 (cited by 7 submitters); PubMed 33471991 (cited by Ambry Genetics and Sema4).

NM_000179.3(MSH6):c.3220A>G (p.Met1074Val)

Gene: MSH6 (mutS homolog 6; plus strand). Cytogenetic location: 2p16.3.
Variant type: single nucleotide variant.
Coding change: c.3220A>G on transcript NM_000179.3 (MANE Select); coding-DNA position 3220, A replaced by G.
Protein change: p.Met1074Val; replaces methionine 1074 with valine.
Molecular consequence: missense variant.
Genome position (GRCh38, 1-based): chr2:47,803,467, A>G. VCF-style: chr2-47803467-A-G. GRCh37 (hg19) VCF-style: chr2-48030606-A-G.
Other names: p.M1074V:ATG>GTG; c.2830A>G, p.Met944Val (NM_001281492.2); c.2314A>G, p.Met772Val (NM_001281493.2, NM_001281494.2); short protein forms M1074V, M772V, M944V.
Identifiers: ClinVar variation 182645 (VCV000182645.34), dbSNP rs730881804, ClinGen allele CA012035.